The following is an entry in ClinVar:

NM_153365.3(TAPT1):c.712G>A (p.Val238Met)

Gene: TAPT1 (transmembrane anterior posterior transformation 1; minus strand). Cytogenetic location: 4p15.32.
Variant type: single nucleotide variant.
Coding change: c.712G>A on transcript NM_153365.3 (MANE Select); coding-DNA position 712, G replaced by A.
Protein change: p.Val238Met; replaces valine 238 with methionine.
Molecular consequence: missense variant.
Genome position (GRCh38, 1-based): chr4:16,188,256, C>T on the plus strand (G>A on the coding strand, the complement: TAPT1 is on the minus strand). VCF-style: chr4-16188256-C-T. GRCh37 (hg19) VCF-style: chr4-16189879-C-T.
Other names: short protein forms V238M.
Identifiers: ClinVar variation 3623111 (VCV003623111.2).
Genomic context (GRCh38, chr4:16,188,256, plus strand): 5'-TTTCCAGTAGGTCTATAAGGATACAGACATAGAGAACAGCCATGAAAAAGTGAGGAATCA[C>T]CCCAATGTGGGCTCTTTTTCTTTCTTTAGGCTCTGTTGCTGTCCAATAGAGAGCATCTAA-3'
Protein context (NP_699196.2, residues 228-248): PKERKRAHIG[Val238Met]IPHFFMAVLY

ClinVar aggregate classification (germline): Uncertain significance (1 of 4 stars; one submission).

gnomAD v4.1: 7 of 1,612,406 alleles (0.00043%); highest among the groups gnomAD compares: African/African-American, 0.0013%; no homozygotes.

Submission:

Labcorp Genetics (formerly Invitae), Labcorp
Classification: Uncertain significance. Last evaluated: 2024-06-24. Review status: criteria provided, single submitter. Criteria: Invitae Variant Classification Sherloc (09022015). Collection method: clinical testing. Allele origin: germline.
Comment: This sequence change replaces valine, which is neutral and non-polar, with methionine, which is neutral and non-polar, at codon 238 of the TAPT1 protein (p.Val238Met). This variant is present in population databases (no rsID available, gnomAD 0.007%). This variant has not been reported in the literature in individuals affected with TAPT1-related conditions. Advanced modeling of protein sequence and biophysical properties (such as structural, functional, and spatial information, amino acid conservation, physicochemical variation, residue mobility, and thermodynamic stability) performed at Invitae indicates that this missense variant is not expected to disrupt TAPT1 protein function with a negative predictive value of 80%. In summary, the available evidence is currently insufficient to determine the role of this variant in disease. Therefore, it has been classified as a Variant of Uncertain Significance.